The following is an entry in ClinVar:

ClinVar aggregate classification (germline): Uncertain significance. Review status: criteria provided, multiple submitters, no conflicts (2 of 4 stars). 2 submissions from 2 submitters: Uncertain significance (2). Last evaluated 2025-02-28.

Allele frequency attached by ClinVar (database versions not stated): gnomAD exomes 0.00004 and 0.00003; ESP Exome Variant Server 0.00008; TOPMed 0.00003; ExAC 0.00004; gnomAD 0.00004.
gnomAD v4.1: 58 of 1,613,368 alleles (0.0036%); highest among the groups gnomAD compares: Middle Eastern, 0.016%; no homozygotes.

Submissions (2):

Mayo Clinic Laboratories, Mayo Clinic
Classification: Uncertain significance. Last evaluated: 2025-02-28. Review status: criteria provided, single submitter. Criteria: ACMG Guidelines, 2015. Collection method: clinical testing. Allele origin: germline. Observed: 1 variant allele.

Labcorp Genetics (formerly Invitae), Labcorp
Classification: Uncertain significance. Last evaluated: 2022-09-06. Review status: criteria provided, single submitter. Criteria: Invitae Variant Classification Sherloc (09022015). Collection method: clinical testing. Allele origin: germline.
Comment: This sequence change replaces valine, which is neutral and non-polar, with isoleucine, which is neutral and non-polar, at codon 142 of the CA2 protein (p.Val142Ile). This variant is present in population databases (rs373116402, gnomAD 0.01%). This variant has not been reported in the literature in individuals affected with CA2-related conditions. ClinVar contains an entry for this variant (Variation ID: 1354540). Algorithms developed to predict the effect of missense changes on protein structure and function are either unavailable or do not agree on the potential impact of this missense change (SIFT: "Deleterious"; PolyPhen-2: "Possibly Damaging"; Align-GVGD: "Class C0"). In summary, the available evidence is currently insufficient to determine the role of this variant in disease. Therefore, it has been classified as a Variant of Uncertain Significance.

NM_000067.3(CA2):c.424G>A (p.Val142Ile)

Gene: CA2 (carbonic anhydrase 2; plus strand). Cytogenetic location: 8q21.2.
Variant type: single nucleotide variant.
Coding change: c.424G>A on transcript NM_000067.3 (MANE Select); coding-DNA position 424, G replaced by A.
Protein change: p.Val142Ile; replaces valine 142 with isoleucine.
Molecular consequence: missense variant.
Genome position (GRCh38, 1-based): chr8:85,474,396, G>A. VCF-style: chr8-85474396-G-A. GRCh37 (hg19) VCF-style: chr8-86386625-G-A.
Other names: p.Val142Ile; c.121G>A, p.Val41Ile (NM_001293675.2); short protein forms V41I, V142I.
Identifiers: ClinVar variation 1354540 (VCV001354540.6), dbSNP rs373116402, ClinGen allele CA4796515.